The following is an entry in ClinVar:

NM_001128840.3(CACNA1D):c.5516G>T (p.Cys1839Phe)

Gene: CACNA1D (calcium voltage-gated channel subunit alpha1 D; plus strand). Cytogenetic location: 3p21.1.
Variant type: single nucleotide variant.
Coding change: c.5516G>T on transcript NM_001128840.3 (MANE Select); coding-DNA position 5516, G replaced by T.
Protein change: p.Cys1839Phe; replaces cysteine 1839 with phenylalanine.
Molecular consequence: missense variant.
Genome position (GRCh38, 1-based): chr3:53,803,503, G>T. VCF-style: chr3-53803503-G-T. GRCh37 (hg19) VCF-style: chr3-53837530-G-T.
Other names: c.5576G>T, p.Cys1859Phe (NM_000720.4); c.5444G>T, p.Cys1815Phe (NM_001128839.3); short protein forms C1815F, C1859F, C1839F.
Identifiers: ClinVar variation 2831142 (VCV002831142.3), dbSNP rs2474493022, ClinGen allele CA353253635.
Genomic context (GRCh38, chr3:53,803,503, plus strand): 5'-AGCTCCCAACTATTTGCCGGGAAGACCCAGAGATACATGGCTATTTCAGGGACCCCCACT[G>T]CTTGGGGGAGCAGGAGTATTTCAGTAGTGAGGAATGCTACGAGGATGACAGCTCGCCCAC-3'
Protein context (NP_001122312.1, residues 1829-1849): EIHGYFRDPH[Cys1839Phe]LGEQEYFSSE

ClinVar aggregate classification (germline): Uncertain significance (1 of 4 stars; one submission).

Submission:

Labcorp Genetics (formerly Invitae), Labcorp
Classification: Uncertain significance. Last evaluated: 2023-04-03. Review status: criteria provided, single submitter. Criteria: Invitae Variant Classification Sherloc (09022015). Collection method: clinical testing. Allele origin: germline.
Comment: This sequence change replaces cysteine, which is neutral and slightly polar, with phenylalanine, which is neutral and non-polar, at codon 1859 of the CACNA1D protein (p.Cys1859Phe). This variant is not present in population databases (gnomAD no frequency). This variant has not been reported in the literature in individuals affected with CACNA1D-related conditions. An algorithm developed to predict the effect of missense changes on protein structure and function (PolyPhen-2) suggests that this variant is likely to be tolerated. In summary, the available evidence is currently insufficient to determine the role of this variant in disease. Therefore, it has been classified as a Variant of Uncertain Significance.